The following is an entry in ClinVar:

NM_005336.6(HDLBP):c.1081-10A>G

Gene: HDLBP (high density lipoprotein binding protein; minus strand). Cytogenetic location: 2q37.3.
Variant type: single nucleotide variant.
Coding change: c.1081-10A>G on transcript NM_005336.6 (MANE Select); 10 bases into the intron before coding-DNA position 1081, A replaced by G.
Molecular consequence: intron variant.
Genome position (GRCh38, 1-based): chr2:241,255,168, T>C on the plus strand (A>G on the coding strand, the complement: HDLBP is on the minus strand). VCF-style: chr2-241255168-T-C. GRCh37 (hg19) VCF-style: chr2-242194583-T-C.
Other names: c.1081-10A>G (NM_001320965.3, NM_001320967.3, NM_203346.6 and 1 more transcripts); c.982-10A>G (NM_001243900.3).
Identifiers: ClinVar variation 3056287 (VCV003056287.2), dbSNP rs2305075, ClinGen allele CA2216779.

ClinVar aggregate classification (germline): Benign (0 of 4 stars; one submission).

Conditions:
HDLBP-related disorder. Also called: HDLBP-related condition.

Allele frequency attached by ClinVar (database versions not stated): TOPMed 0.07699; 1000 Genomes Project 30x 0.08323; 1000 Genomes Project 0.08347; ESP Exome Variant Server 0.08373; ExAC 0.09525; gnomAD exomes 0.09683.
gnomAD v4.1: 154,321 of 1,611,246 alleles (9.6%); highest among the groups gnomAD compares: Middle Eastern, 16%; 7,888 homozygotes.

Submission:

PreventionGenetics, part of Exact Sciences
Classification: Benign for HDLBP-related condition. Last evaluated: 2019-11-25. Review status: no assertion criteria provided. Collection method: clinical testing. Allele origin: germline.
Comment: This variant is classified as benign based on ACMG/AMP sequence variant interpretation guidelines (Richards et al. 2015 PMID: 25741868, with internal and published modifications).